The following is an entry in ClinVar:

ClinVar aggregate classification (germline): Uncertain significance (1 of 4 stars; one submission).

gnomAD v4.1: 14 of 1,437,456 alleles (0.00097%); highest among the groups gnomAD compares: East Asian, 0.016%; no homozygotes.

Submission:

Mayo Clinic Laboratories, Mayo Clinic
Classification: Uncertain significance. Last evaluated: 2023-10-12. Review status: criteria provided, single submitter. Criteria: ACMG Guidelines, 2015. Collection method: clinical testing. Allele origin: germline. Observed: 1 variant allele.
Comment: BP4

NM_178526.5(SLC25A42):c.665G>C (p.Arg222Pro)

Genes: SLC25A42 (solute carrier family 25 member 42; plus strand), LOC130064046 (ATAC-STARR-seq lymphoblastoid silent region 10431; plus strand). Cytogenetic location: 19p13.11.
Variant type: single nucleotide variant.
Coding change: c.665G>C on transcript NM_178526.5 (MANE Select); coding-DNA position 665, G replaced by C.
Protein change: p.Arg222Pro; replaces arginine 222 with proline.
Molecular consequence: missense variant.
Genome position (GRCh38, 1-based): chr19:19,110,584, G>C. VCF-style: chr19-19110584-G-C. GRCh37 (hg19) VCF-style: chr19-19221393-G-C.
Other names: p.Arg222Pro; c.665G>C, p.Arg222Pro (NM_001321544.2); short protein forms R222P.
Identifiers: ClinVar variation 3380604 (VCV003380604.1).